The following is an entry in ClinVar:

ClinVar aggregate classification (germline): Conflicting classifications of pathogenicity. Review status: criteria provided, conflicting classifications (1 of 4 stars). 4 submissions from 4 submitters: Uncertain significance (1); Likely benign (3). Last evaluated 2025-12-25.

Conditions:
Combined immunodeficiency due to CTPS1 deficiency. Also called: Severe combined immunodeficiency due to CTPS1 deficiency; Immunodeficiency 24. Identifiers: Orphanet 420573, MedGen C4014617, MONDO:0014391, OMIM 615897.

Allele frequency attached by ClinVar (database versions not stated): ExAC 0.00038; ESP Exome Variant Server 0.00092; TOPMed 0.00123; gnomAD 0.00143 and 0.00151; 1000 Genomes Project 0.00220; 1000 Genomes Project 30x 0.00250.
gnomAD v4.1: 389 of 1,613,542 alleles (0.024%); highest among the groups gnomAD compares: African/African-American, 0.41%; 1 homozygote.

Submissions (4):

Labcorp Genetics (formerly Invitae), Labcorp
Classification: Likely benign for Combined immunodeficiency due to CTPS1 deficiency. Last evaluated: 2025-12-25. Review status: criteria provided, single submitter. Criteria: Invitae Variant Classification Sherloc (09022015). Collection method: clinical testing. Allele origin: germline.

Mayo Clinic Laboratories, Mayo Clinic
Classification: Likely benign. Last evaluated: 2025-09-11. Review status: criteria provided, single submitter. Criteria: ACMG Guidelines, 2015. Collection method: clinical testing. Allele origin: germline. Observed: 1 variant allele.
Comment: BS2_supporting, BP4_moderate

Center for Genomics, Ann and Robert H. Lurie Children's Hospital of Chicago
Classification: Uncertain significance for Combined immunodeficiency due to CTPS1 deficiency. Last evaluated: 2022-09-01. Review status: criteria provided, single submitter. Criteria: ACMG Guidelines, 2015. Collection method: clinical testing. Allele origin: germline.
Comment: This variant has not been reported in the literature but is present in the Genome Aggregation Database (Highest reported MAF 0.4% (190/41362). This variant is present in ClinVar (Variation ID:722799). Evolutionary conservation suggests that this variant may impact the protein; computational predictive tools suggest that this variant may not impact the protein. In summary, data on this variant is insufficient for disease classification. Therefore, the clinical significance of this variant is uncertain.

Breakthrough Genomics
Classification: Likely benign. Review status: criteria provided, single submitter. Criteria: ACMG Guidelines, 2015. Collection method: not provided. Allele origin: germline. Inheritance: Autosomal recessive inheritance. Affected: yes.

NM_001905.4(CTPS1):c.1276C>G (p.Pro426Ala)

Gene: CTPS1 (CTP synthase 1; plus strand). Cytogenetic location: 1p34.2.
Variant type: single nucleotide variant.
Coding change: c.1276C>G on transcript NM_001905.4 (MANE Select); coding-DNA position 1276, C replaced by G.
Protein change: p.Pro426Ala; replaces proline 426 with alanine.
Molecular consequence: missense variant. On other transcripts: non-coding transcript variant (1).
Genome position (GRCh38, 1-based): chr1:41,006,074, C>G. VCF-style: chr1-41006074-C-G. GRCh37 (hg19) VCF-style: chr1-41471746-C-G.
Other names: p.Pro426Ala; c.808C>G, p.Pro270Ala (NM_001301237.2); short protein forms P270A, P426A.
Identifiers: ClinVar variation 722799 (VCV000722799.13), dbSNP rs139322260, ClinGen allele CA795491.